The following is an entry in ClinVar:

ClinVar aggregate classification (germline): Conflicting classifications of pathogenicity. Review status: criteria provided, conflicting classifications (1 of 4 stars). 4 submissions from 4 submitters: Likely pathogenic (2); Uncertain significance (1). 1 of the submissions does not count toward it. Last evaluated 2022-08-25.

Conditions:
RHOB-related disorder.
"See Cases".
Recurrent pancreatitis. Identifiers: MedGen C4551632, HP:0100027.

Submissions (4):

Baylor Genetics
Classification: Likely pathogenic for RHOB-related disorder. Last evaluated: 2022-08-25. Review status: criteria provided, single submitter. Criteria: ACMG Guidelines, 2015. Collection method: clinical testing. Allele origin: unknown.

Ambry Genetics
Classification: Uncertain significance. Last evaluated: 2021-07-20. Review status: criteria provided, single submitter. Criteria: Ambry Variant Classification Scheme 2023. Collection method: clinical testing. Allele origin: germline.
Comment: The c.218C>T (p.S73F) alteration is located in coding exon 1 of the RHOB gene. This alteration results from a C to T substitution at nucleotide position 218, causing the serine (S) at amino acid position 73 to be replaced by a phenylalanine (F). Based on data from the Genome Aggregation Database (gnomAD), the RHOB c.218C>T alteration was not observed, with coverage at this position. This alteration has been described to occur de novo in two unrelated individuals with spastic-dystonic diplegia, expressive language disorder, aortic arch abnormalities, and MRI findings of hyperintense T2 white matter signal (periventricular leukomalacia) (Jin, 2020). The p.S73 amino acid is conserved in available vertebrate species. Biochemical analysis observed protein with the c.218C>T (p.S73F) enhanced GTP hydrolysis and binding as well as accentuated responses to GDP exchange factors (Jin, 2020). The p.S73F alteration is predicted to be tolerated by in silico analysis. Based on insufficient or conflicting evidence, the clinical significance of this alteration remains unclear.

Wangler Lab, Baylor College of Medicine
Classification: Likely pathogenic for "See Cases". Review status: criteria provided, single submitter. Criteria: ACMG Guidelines, 2015. Collection method: clinical testing. Allele origin: de novo. Inheritance: Autosomal dominant inheritance. Affected: yes. Observed: 1 heterozygote.
Comment: This missense RHOB variant at c.218C>T (p.S73F) was seen on exome through the Texome project (R01HG011795). This variant has not been observed in gnomAD (PM2). Functional studies suggest this variant has a functionally defective gain-of-function mechanism (PS3).This missense variant has an inconclusive CADD score (23.400) and the evolutionary conservation of this residue is high. We predict this variant to be likely pathogenic.

Yale Center for Mendelian Genomics, Yale University
Classification: Uncertain significance for Recurrent pancreatitis. Last evaluated: 2020-09-28. Review status: no assertion criteria provided. Collection method: literature only. Allele origin: de novo. Affected: yes. Observed: 2 heterozygotes. Study: Yale Center for Mendelian Genomics. Not counted in ClinVar's aggregate classification.

Literature cited by the submitters: PubMed 32989326 (cited by 3 submitters).

NM_004040.4(RHOB):c.218C>T (p.Ser73Phe)

Gene: RHOB (ras homolog family member B; plus strand). Cytogenetic location: 2p24.1.
Variant type: single nucleotide variant.
Coding change: c.218C>T on transcript NM_004040.4 (MANE Select); coding-DNA position 218, C replaced by T.
Protein change: p.Ser73Phe; replaces serine 73 with phenylalanine.
Molecular consequence: missense variant.
Genome position (GRCh38, 1-based): chr2:20,447,683, C>T. VCF-style: chr2-20447683-C-T. GRCh37 (hg19) VCF-style: chr2-20647444-C-T.
Other names: c.218C>T (NM_004040.2); short protein forms S73F.
Identifiers: ClinVar variation 1344805 (VCV001344805.6), dbSNP rs550750241, ClinGen allele CA346229889.
Genomic context (GRCh38, chr2:20,447,683, plus strand): 5'-TGGAGCTGGCGCTGTGGGACACGGCGGGCCAGGAGGACTACGACCGCCTGCGGCCGCTCT[C>T]CTACCCGGACACCGACGTCATTCTCATGTGCTTCTCGGTGGACAGCCCGGACTCGCTGGA-3'
Protein context (NP_004031.1, residues 63-83): QEDYDRLRPL[Ser73Phe]YPDTDVILMC